The following is an entry in ClinVar:

ClinVar aggregate classification (germline): Uncertain significance. Review status: criteria provided, multiple submitters, no conflicts (2 of 4 stars). 2 submissions from 2 submitters: Uncertain significance (2). Last evaluated 2025-07-30.

Conditions:
MHC class II deficiency. Also called: BLS, TYPE II; Bare lymphocyte syndrome 2. Identifiers: Orphanet 572, MedGen C5447452, MONDO:0008855.

Allele frequency attached by ClinVar (database versions not stated): gnomAD 0.00001; gnomAD exomes 0.00003 and 0.00006; ExAC 0.00004; TOPMed 0.00004.

Submissions (2):

Ambry Genetics
Classification: Uncertain significance. Last evaluated: 2025-07-30. Review status: criteria provided, single submitter. Criteria: Ambry Variant Classification Scheme 2023. Collection method: clinical testing. Allele origin: germline.

Labcorp Genetics (formerly Invitae), Labcorp
Classification: Uncertain significance for MHC class II deficiency. Last evaluated: 2022-07-21. Review status: criteria provided, single submitter. Criteria: Invitae Variant Classification Sherloc (09022015). Collection method: clinical testing. Allele origin: germline.
Comment: This sequence change replaces proline, which is neutral and non-polar, with glutamine, which is neutral and polar, at codon 186 of the RFX5 protein (p.Pro186Gln). This variant is present in population databases (rs751651095, gnomAD 0.04%). This variant has not been reported in the literature in individuals affected with RFX5-related conditions. ClinVar contains an entry for this variant (Variation ID: 1432276). Algorithms developed to predict the effect of missense changes on protein structure and function are either unavailable or do not agree on the potential impact of this missense change (SIFT: "Tolerated"; PolyPhen-2: "Possibly Damaging"; Align-GVGD: "Class C0"). Algorithms developed to predict the effect of sequence changes on RNA splicing suggest that this variant may disrupt the consensus splice site. In summary, the available evidence is currently insufficient to determine the role of this variant in disease. Therefore, it has been classified as a Variant of Uncertain Significance.

NM_001025603.2(RFX5):c.557C>A (p.Pro186Gln)

Gene: RFX5 (regulatory factor X5; minus strand). Cytogenetic location: 1q21.3.
Variant type: single nucleotide variant.
Coding change: c.557C>A on transcript NM_001025603.2 (MANE Select); coding-DNA position 557, C replaced by A.
Protein change: p.Pro186Gln; replaces proline 186 with glutamine.
Molecular consequence: missense variant.
Genome position (GRCh38, 1-based): chr1:151,343,881, G>T on the plus strand (C>A on the coding strand, the complement: RFX5 is on the minus strand). VCF-style: chr1-151343881-G-T. GRCh37 (hg19) VCF-style: chr1-151316357-G-T.
Other names: c.557C>A (NM_000449.3); c.557C>A, p.Pro186Gln (NM_000449.4, NM_001379412.1, NM_001379413.1 and 5 more transcripts); c.437C>A, p.Pro146Gln (NM_001379419.1, NM_001379420.1); short protein forms P146Q, P186Q.
Identifiers: ClinVar variation 1432276 (VCV001432276.4), dbSNP rs751651095, ClinGen allele CA1089793.
Genomic context (GRCh38, chr1:151,343,881, plus strand): 5'-GCACACGCTGCCTCCACCAGTTCATCTCGAGGTGCTGGGGTTACTTCTGGGCCCATTTCT[G>T]GCTGAAGTGGGGAAGGACATGCCCAATCACACTCCAAATTAAAGAACCCTTGCCTCCTCT-3'
Protein context (NP_001020774.1, residues 176-196): PGLDLKGSES[Pro186Gln]EMGPEVTPAP